The following is an entry in ClinVar:

ClinVar aggregate classification (germline): Uncertain significance. Review status: criteria provided, multiple submitters, no conflicts (2 of 4 stars). 3 submissions from 3 submitters: Uncertain significance (3). Last evaluated 2025-11-27.

Conditions:
Familial thoracic aortic aneurysm and aortic dissection (TAAD). Also called: Thoracic aortic aneurysms and dissections. Identifiers: Orphanet 91387, MedGen C4707243, MONDO:0019625.
Aortic aneurysm, familial thoracic 4 (AAT4). Also called: AORTIC ANEURYSM/AORTIC DISSECTION AND PATENT DUCTUS ARTERIOSUS. Identifiers: MedGen C1851504, MONDO:0007568, OMIM 132900.

gnomAD v4.1: 10 of 1,612,578 alleles (0.00062%); highest among the groups gnomAD compares: African/African-American, 0.0013%; no homozygotes.

Submissions (3):

Labcorp Genetics (formerly Invitae), Labcorp
Classification: Uncertain significance for Aortic aneurysm, familial thoracic 4. Last evaluated: 2025-11-27. Review status: criteria provided, single submitter. Criteria: Invitae Variant Classification Sherloc (09022015). Collection method: clinical testing. Allele origin: germline.
Comment: This sequence change replaces aspartic acid, which is acidic and polar, with histidine, which is basic and polar, at codon 1277 of the MYH11 protein (p.Asp1277His). This variant is not present in population databases (gnomAD no frequency). This variant has not been reported in the literature in individuals affected with MYH11-related conditions. ClinVar contains an entry for this variant (Variation ID: 924468). Invitae Evidence Modeling of protein sequence and biophysical properties (such as structural, functional, and spatial information, amino acid conservation, physicochemical variation, residue mobility, and thermodynamic stability) indicates that this missense variant is not expected to disrupt MYH11 protein function with a negative predictive value of 95%. In summary, the available evidence is currently insufficient to determine the role of this variant in disease. Therefore, it has been classified as a Variant of Uncertain Significance.

All of Us Research Program, National Institutes of Health
Classification: Uncertain significance for Familial thoracic aortic aneurysm and aortic dissection. Last evaluated: 2024-06-09. Review status: criteria provided, single submitter. Criteria: ACMG Guidelines, 2015. Collection method: clinical testing. Allele origin: germline. Inheritance: Autosomal dominant inheritance. Observed: 1 variant allele, 1 heterozygote.
Comment: Variant of Uncertain Significance due to insufficient evidence: This missense variant is located in the coiled coil myosin tail domain of the MYH11 protein. Computational prediction tools and conservation analyses suggest that this variant may have deleterious impact on the protein function. Computational splicing tools suggest that this variant may not impact RNA splicing. To our knowledge, functional assays have not been performed for this variant nor has this variant been reported in individuals affected with cardiovascular disorders in the literature. This variant is rare in the general population and has been identified in 0/277264 chromosomes by the Genome Aggregation Database (gnomAD). Available evidence is insufficient to determine the pathogenicity of this variant conclusively.

This study involves interpretation of variants in research participants for the purpose of population health screening. Participant phenotype was not available at the time of variant classification. Additional details can be found in publication PMID: 35346344, PMCID: PMC8962531

Color Diagnostics, LLC DBA Color Health
Classification: Uncertain significance for Familial thoracic aortic aneurysm and aortic dissection. Last evaluated: 2024-03-07. Review status: criteria provided, single submitter. Criteria: ACMG Guidelines, 2015. Collection method: clinical testing. Allele origin: germline.
Comment: This missense variant replaces aspartic acid with histidine at codon 1277 of the MYH11 protein. Computational prediction is inconclusive regarding the impact of this variant on protein structure and function (internally defined REVEL score threshold 0.5 < inconclusive < 0.7, PMID: 27666373). To our knowledge, functional studies have not been reported for this variant. This variant has not been reported in individuals affected with MYH11-related disorders in the literature. This variant has not been identified in the general population by the Genome Aggregation Database (gnomAD). The available evidence is insufficient to determine the role of this variant in disease conclusively. Therefore, this variant is classified as a Variant of Uncertain Significance.

NM_002474.3(MYH11):c.3808G>C (p.Asp1270His)

Gene: MYH11 (myosin heavy chain 11; minus strand). Cytogenetic location: 16p13.11.
Variant type: single nucleotide variant.
Coding change: c.3808G>C on transcript NM_002474.3 (MANE Select); coding-DNA position 3808, G replaced by C.
Protein change: p.Asp1270His; replaces aspartic acid 1270 with histidine.
Molecular consequence: missense variant.
Genome position (GRCh38, 1-based): chr16:15,726,898, C>G on the plus strand (G>C on the coding strand, the complement: MYH11 is on the minus strand). VCF-style: chr16-15726898-C-G. GRCh37 (hg19) VCF-style: chr16-15820755-C-G.
Other names: c.3829G>C, p.Asp1277His (NM_001040113.2, NM_001040114.2); c.3808G>C, p.Asp1270His (NM_022844.3); short protein forms D1270H, D1277H.
Identifiers: ClinVar variation 924468 (VCV000924468.14), dbSNP rs770319821, ClinGen allele CA278609516.
Genomic context (GRCh38, chr16:15,726,898, plus strand): 5'-ACCTCCTCACCTGCAGCTTGTGGACTTTGTCATTGAGCTCCGCCCGGGCCCGCTCCCCAT[C>G]GCTGCACTTGGACTGCAGCTCCTGCACCTGCGCCTCCAGCTTCTTCTTCTTATGTTCCAC-3'
Protein context (NP_002465.1, residues 1260-1280): QVQELQSKCS[Asp1270His]GERARAELND